The following is an entry in ClinVar:

ClinVar aggregate classification (germline): Uncertain significance (1 of 4 stars; one submission).

gnomAD v4.1: 1 of 1,550,568 alleles (0.000064%); highest among the groups gnomAD compares: Admixed American, 0.002%; no homozygotes.

Submission:

GeneDx
Classification: Uncertain significance. Last evaluated: 2025-07-12. Review status: criteria provided, single submitter. Criteria: GeneDx Variant Classification Process June 2021. Collection method: clinical testing. Allele origin: germline. Affected: yes.
Comment: Not observed at significant frequency in large population cohorts (gnomAD); In silico analysis suggests that this missense variant does not alter protein structure/function; Has not been previously published as pathogenic or benign to our knowledge

NM_001292063.2(OTOG):c.5704C>T (p.Pro1902Ser)

Gene: OTOG (otogelin; plus strand). Cytogenetic location: 11p15.1.
Variant type: single nucleotide variant.
Coding change: c.5704C>T on transcript NM_001292063.2 (MANE Select); coding-DNA position 5704, C replaced by T.
Protein change: p.Pro1902Ser; replaces proline 1902 with serine.
Molecular consequence: missense variant.
Genome position (GRCh38, 1-based): chr11:17,611,004, C>T. VCF-style: chr11-17611004-C-T. GRCh37 (hg19) VCF-style: chr11-17632551-C-T.
Other names: c.5740C>T, p.Pro1914Ser (NM_001277269.2); short protein forms P1902S, P1914S.
Identifiers: ClinVar variation 4685302 (VCV004685302.1).
Genomic context (GRCh38, chr11:17,611,004, plus strand): 5'-TTGCCAACCTCTGGAGTCCTGCCTGTGGCTGAGGGCACGGCCTCCATGGTATCTGTTGTC[C>T]CACGAAAGAGCACCACAGGGAAGGTGGCCATCCTATCCAAGCAAGTGTCTCTGCCCACTT-3'
Protein context (NP_001278992.1, residues 1892-1912): EGTASMVSVV[Pro1902Ser]RKSTTGKVAI